The following is an entry in ClinVar:

NM_001193315.2(VIPAS39):c.334T>C (p.Phe112Leu)

Gene: VIPAS39 (VPS33B interacting protein, apical-basolateral polarity regulator, spe-39 homolog; minus strand). Cytogenetic location: 14q24.3.
Variant type: single nucleotide variant.
Coding change: c.334T>C on transcript NM_001193315.2 (MANE Select); coding-DNA position 334, T replaced by C.
Protein change: p.Phe112Leu; replaces phenylalanine 112 with leucine.
Molecular consequence: missense variant. On other transcripts: non-coding transcript variant (1), intron variant (4).
Genome position (GRCh38, 1-based): chr14:77,451,196, A>G on the plus strand (T>C on the coding strand, the complement: VIPAS39 is on the minus strand). VCF-style: chr14-77451196-A-G. GRCh37 (hg19) VCF-style: chr14-77917539-A-G.
Other names: c.334T>C (NM_022067.3); c.334T>C, p.Phe112Leu (NM_001193314.2, NM_001193317.2, NM_001400326.1 and 11 more transcripts); c.197-1444T>C (NM_001400337.1, NM_001193316.2, NM_001400324.1 and 1 more transcripts); short protein forms F112L.
Identifiers: ClinVar variation 1960834 (VCV001960834.6), dbSNP rs549306106, ClinGen allele CA7288140.

ClinVar aggregate classification (germline): Uncertain significance. Review status: criteria provided, multiple submitters, no conflicts (2 of 4 stars). 3 submissions from 3 submitters: Uncertain significance (3). Last evaluated 2025-01-02.

Conditions:
VIPAS39-related disorder. Also called: VIPAS39-related condition.
Inborn genetic diseases. Identifiers: MedGen C0950123, MeSH D030342.

Allele frequency attached by ClinVar (database versions not stated): ExAC 0.00003; gnomAD exomes 0.00003; TOPMed 0.00003; gnomAD 0.00005; 1000 Genomes Project 0.00020; 1000 Genomes Project 30x 0.00031.
gnomAD v4.1: 61 of 1,614,236 alleles (0.0038%); highest among the groups gnomAD compares: Non-Finnish European, 0.0031%; no homozygotes.

Submissions (3):

PreventionGenetics, part of Exact Sciences
Classification: Uncertain significance for VIPAS39-related condition. Last evaluated: 2025-01-02. Review status: criteria provided, single submitter. Criteria: ACMG Guidelines, 2015. Collection method: clinical testing. Allele origin: germline.
Comment: The VIPAS39 c.334T>C variant is predicted to result in the amino acid substitution p.Phe112Leu. To our knowledge, this variant has not been reported in the literature. This variant is reported in 0.020% of alleles in individuals of European (Finnish) descent in gnomAD. At this time, the clinical significance of this variant is uncertain due to the absence of conclusive functional and genetic evidence.

Ambry Genetics
Classification: Uncertain significance for Inborn genetic diseases. Last evaluated: 2024-09-09. Review status: criteria provided, single submitter. Criteria: Ambry Variant Classification Scheme 2023. Collection method: clinical testing. Allele origin: germline.

Labcorp Genetics (formerly Invitae), Labcorp
Classification: Uncertain significance. Last evaluated: 2024-07-15. Review status: criteria provided, single submitter. Criteria: Invitae Variant Classification Sherloc (09022015). Collection method: clinical testing. Allele origin: germline.
Comment: This sequence change replaces phenylalanine, which is neutral and non-polar, with leucine, which is neutral and non-polar, at codon 112 of the VIPAS39 protein (p.Phe112Leu). This variant is present in population databases (rs549306106, gnomAD 0.02%). This variant has not been reported in the literature in individuals affected with VIPAS39-related conditions. ClinVar contains an entry for this variant (Variation ID: 1960834). Advanced modeling of protein sequence and biophysical properties (such as structural, functional, and spatial information, amino acid conservation, physicochemical variation, residue mobility, and thermodynamic stability) performed at Invitae indicates that this missense variant is not expected to disrupt VIPAS39 protein function with a negative predictive value of 80%. In summary, the available evidence is currently insufficient to determine the role of this variant in disease. Therefore, it has been classified as a Variant of Uncertain Significance.